The following is an entry in ClinVar:

ClinVar aggregate classification (germline): Uncertain significance (1 of 4 stars; one submission).

Submission:

Labcorp Genetics (formerly Invitae), Labcorp
Classification: Uncertain significance. Last evaluated: 2025-09-08. Review status: criteria provided, single submitter. Criteria: Invitae Variant Classification Sherloc (09022015). Collection method: clinical testing. Allele origin: germline.
Comment: This sequence change replaces methionine, which is neutral and non-polar, with threonine, which is neutral and polar, at codon 728 of the MSH3 protein (p.Met728Thr). This variant is not present in population databases (gnomAD no frequency). This variant has not been reported in the literature in individuals affected with MSH3-related conditions. ClinVar contains an entry for this variant (Variation ID: 2121236). An algorithm developed to predict the effect of missense changes on protein structure and function outputs the following: PolyPhen-2: "Benign". The threonine amino acid residue is found in multiple mammalian species, which suggests that this missense change does not adversely affect protein function. In summary, the available evidence is currently insufficient to determine the role of this variant in disease. Therefore, it has been classified as a Variant of Uncertain Significance.

NM_002439.5(MSH3):c.2183T>C (p.Met728Thr)

Gene: MSH3 (mutS homolog 3; plus strand). Cytogenetic location: 5q14.1.
Variant type: single nucleotide variant.
Coding change: c.2183T>C on transcript NM_002439.5 (MANE Select); coding-DNA position 2183, T replaced by C.
Protein change: p.Met728Thr; replaces methionine 728 with threonine.
Molecular consequence: missense variant.
Genome position (GRCh38, 1-based): chr5:80,768,933, T>C. VCF-style: chr5-80768933-T-C. GRCh37 (hg19) VCF-style: chr5-80064752-T-C.
Other names: short protein forms M728T.
Identifiers: ClinVar variation 2121236 (VCV002121236.4), dbSNP rs2546774278, ClinGen allele CA360279543.
Genomic context (GRCh38, chr5:80,768,933, plus strand): 5'-ACTTCCCTTTAATAAAAAAGAGGAAGGATGAAATTCAAGGTGTTATTGACGAGATCCGAA[T>C]GCATTTGCAAGAAATACGAAAAATACTAAAAAATCCTTCTGCACAATATGTGACAGTATC-3'
Protein context (NP_002430.3, residues 718-738): EIQGVIDEIR[Met728Thr]HLQEIRKILK